The following is an entry in ClinVar:

NC_000009.11:g.(?_135777972)_(135782777_?)del

Gene: TSC1 (TSC complex subunit 1; minus strand). Cytogenetic location: 9q34.13.
Variant type: Deletion.
Identifiers: ClinVar variation 1064009 (VCV001064009.6).

ClinVar aggregate classification (germline): Pathogenic (1 of 4 stars; one submission).

Conditions:
Tuberous sclerosis 1 (TSC1). Identifiers: Orphanet 805, MedGen C1854465, MONDO:0008612, OMIM 191100.

Submission:

Labcorp Genetics (formerly Invitae), Labcorp
Classification: Pathogenic for Tuberous sclerosis 1. Last evaluated: 2022-02-17. Review status: criteria provided, single submitter. Criteria: Invitae Variant Classification Sherloc (09022015). Collection method: clinical testing. Allele origin: germline.
Comment: This variant is a gross deletion of the genomic region encompassing exon(s) 13-18 of the TSC1 gene. This variant would be expected to be in-frame, preserving the integrity of the reading frame. For these reasons, this variant has been classified as Pathogenic. This variant disrupts a region of the TSC1 protein in which other variant(s) (p.Ala726Glu ) have been determined to be pathogenic (PMID: 9328481). This suggests that this is a clinically significant region of the protein, and that variants that disrupt it are likely to be disease-causing. This variant has not been reported in the literature in individuals affected with TSC1-related conditions.

Literature cited by the submitters: PubMed 9328481.